The following is an entry in ClinVar:

NM_004104.5(FASN):c.2816A>G (p.Glu939Gly)

Gene: FASN (fatty acid synthase; minus strand). Cytogenetic location: 17q25.3.
Variant type: single nucleotide variant.
Coding change: c.2816A>G on transcript NM_004104.5 (MANE Select); coding-DNA position 2816, A replaced by G.
Protein change: p.Glu939Gly; replaces glutamic acid 939 with glycine.
Molecular consequence: missense variant.
Genome position (GRCh38, 1-based): chr17:82,088,004, T>C on the plus strand (A>G on the coding strand, the complement: FASN is on the minus strand). VCF-style: chr17-82088004-T-C. GRCh37 (hg19) VCF-style: chr17-80045880-T-C.
Other names: c.2816A>G (NM_004104.4); short protein forms E939G.
Identifiers: ClinVar variation 3695374 (VCV003695374.3).

ClinVar aggregate classification (germline): Uncertain significance. Review status: criteria provided, multiple submitters, no conflicts (2 of 4 stars). 2 submissions from 2 submitters: Uncertain significance (2). Last evaluated 2025-03-11.

Conditions:
Epileptic encephalopathy. Identifiers: MedGen C0543888, HP:0200134.

gnomAD v4.1: 2 of 1,612,678 alleles (0.00012%); highest among the groups gnomAD compares: Non-Finnish European, 0.00017%; no homozygotes.

Submissions (2):

Ambry Genetics
Classification: Uncertain significance. Last evaluated: 2025-03-11. Review status: criteria provided, single submitter. Criteria: Ambry Variant Classification Scheme 2023. Collection method: clinical testing. Allele origin: germline.

Labcorp Genetics (formerly Invitae), Labcorp
Classification: Uncertain significance for Epileptic encephalopathy. Last evaluated: 2024-04-25. Review status: criteria provided, single submitter. Criteria: Invitae Variant Classification Sherloc (09022015). Collection method: clinical testing. Allele origin: germline.
Comment: This sequence change replaces glutamic acid, which is acidic and polar, with glycine, which is neutral and non-polar, at codon 939 of the FASN protein (p.Glu939Gly). This variant is not present in population databases (gnomAD no frequency). This variant has not been reported in the literature in individuals affected with FASN-related conditions. An algorithm developed to predict the effect of missense changes on protein structure and function (PolyPhen-2) suggests that this variant is likely to be tolerated. In summary, the available evidence is currently insufficient to determine the role of this variant in disease. Therefore, it has been classified as a Variant of Uncertain Significance.